The following is an entry in ClinVar:

NM_005343.4(HRAS):c.538G>C (p.Gly180Arg)

Genes: LRRC56 (leucine rich repeat containing 56; plus strand), HRAS (HRas proto-oncogene, GTPase; minus strand). Cytogenetic location: 11p15.5.
Variant type: single nucleotide variant.
Coding change: c.538G>C on transcript NM_005343.4 (MANE Select); coding-DNA position 538, G replaced by C.
Protein change: p.Gly180Arg; replaces glycine 180 with arginine.
Molecular consequence: missense variant. On other transcripts: 3 prime UTR variant (1).
Genome position (GRCh38, 1-based): chr11:532,668, C>G on the plus strand (G>C on the coding strand, the complement: HRAS is on the minus strand). VCF-style: chr11-532668-C-G. GRCh37 (hg19) VCF-style: chr11-532668-C-G.
Other names: c.538G>C, p.Gly180Arg (NM_001130442.3); c.301G>C, p.Gly101Arg (NM_001318054.2); c.*107G>C (NM_176795.5); short protein forms G101R, G180R.
Identifiers: ClinVar variation 2700340 (VCV002700340.3), dbSNP rs772602067, ClinGen allele CA378920980.

ClinVar aggregate classification (germline): Uncertain significance (1 of 4 stars; one submission).

Conditions:
Costello syndrome (CSTLO). Also called: FACIOCUTANEOSKELETAL SYNDROME; HRAS-Related Costello Syndrome; FCS SYNDROME. Identifiers: Orphanet 3071, MedGen C0587248, MONDO:0009026, OMIM 218040.

Submission:

Labcorp Genetics (formerly Invitae), Labcorp
Classification: Uncertain significance for Costello syndrome. Last evaluated: 2023-06-09. Review status: criteria provided, single submitter. Criteria: Invitae Variant Classification Sherloc (09022015). Collection method: clinical testing. Allele origin: germline.
Comment: In summary, the available evidence is currently insufficient to determine the role of this variant in disease. Therefore, it has been classified as a Variant of Uncertain Significance. Advanced modeling of protein sequence and biophysical properties (such as structural, functional, and spatial information, amino acid conservation, physicochemical variation, residue mobility, and thermodynamic stability) performed at Invitae indicates that this missense variant is not expected to disrupt HRAS protein function. This variant has not been reported in the literature in individuals affected with HRAS-related conditions. This variant is not present in population databases (gnomAD no frequency). This sequence change replaces glycine, which is neutral and non-polar, with arginine, which is basic and polar, at codon 180 of the HRAS protein (p.Gly180Arg).